The following is an entry in ClinVar:

NM_000487.6(ARSA):c.470C>T (p.Pro157Leu)

Gene: ARSA (arylsulfatase A; minus strand). Cytogenetic location: 22q13.33.
Variant type: single nucleotide variant.
Coding change: c.470C>T on transcript NM_000487.6 (MANE Select); coding-DNA position 470, C replaced by T.
Protein change: p.Pro157Leu; replaces proline 157 with leucine.
Molecular consequence: missense variant.
Genome position (GRCh38, 1-based): chr22:50,627,048, G>A on the plus strand (C>T on the coding strand, the complement: ARSA is on the minus strand). VCF-style: chr22-50627048-G-A. GRCh37 (hg19) VCF-style: chr22-51065476-G-A.
Other names: c.470C>T, p.Pro157Leu (NM_001085425.3, NM_001085426.3, NM_001085427.3); c.212C>T, p.Pro71Leu (NM_001085428.3, NM_001362782.2); short protein forms P157L, P71L.
Identifiers: ClinVar variation 68137 (VCV000068137.12), dbSNP rs74315464, ClinGen allele CA219030.

ClinVar aggregate classification (germline): Conflicting classifications of pathogenicity. Review status: criteria provided, conflicting classifications (1 of 4 stars). 4 submissions from 4 submitters: Likely pathogenic (2); Uncertain significance (1). 1 of the submissions does not count toward it. Last evaluated 2025-10-02.

Conditions:
Metachromatic leukodystrophy (MLD). Also called: SULFATIDE LIPIDOSIS; ARSA DEFICIENCY; CEREBROSIDE SULFATASE DEFICIENCY; Cerebral sclerosis diffuse metachromatic form; Arylsulfatase A Deficiency; METACHROMATIC LEUKOENCEPHALOPATHY. Identifiers: Orphanet 512, MedGen C0023522, MONDO:0018868, OMIM 250100.

Allele frequency attached by ClinVar (database versions not stated): gnomAD 0.00001; TOPMed 0.00001; gnomAD exomes 0.00001.

Submissions (4):

3billion
Classification: Likely pathogenic for Metachromatic leukodystrophy. Last evaluated: 2025-10-02. Review status: criteria provided, single submitter. Criteria: ACMG Guidelines, 2015. Collection method: clinical testing. Allele origin: germline. Affected: yes.
Comment: The variant is observed at an extremely low frequency in the gnomAD v4.1.0 dataset (total allele frequency: <0.001%). Predicted Consequence/Location: Missense variant In silico tool predictions suggest damaging effect of the variant on gene or gene product [REVEL: 0.73 (>=0.6, sensitivity 0.68 and specificity 0.92); 3Cnet: 0.99 (> 0.75, sensitivity 0.96 and precision 0.92)]. The same nucleotide change resulting in the same amino acid change has been previously reported as pathogenic/likely pathogenic with strong evidence (ClinVar ID: VCV000068137 /PMID: 14517960). A different missense change at the same codon (p.Pro157Arg) has been reported to be associated with ARSA-related disorder (ClinVar ID: VCV000003067 /PMID: 7866401). Therefore, this variant is classified as Likely pathogenic according to the recommendation of ACMG/AMP guideline.

Mayo Clinic Laboratories, Mayo Clinic
Classification: Likely pathogenic. Last evaluated: 2021-12-28. Review status: criteria provided, single submitter. Criteria: ACMG Guidelines, 2015. Collection method: clinical testing. Allele origin: germline.
Comment: PP4, PM2, PM3

Labcorp Genetics (formerly Invitae), Labcorp
Classification: Uncertain significance for Metachromatic leukodystrophy. Last evaluated: 2021-08-12. Review status: criteria provided, single submitter. Criteria: Invitae Variant Classification Sherloc (09022015). Collection method: clinical testing. Allele origin: germline.
Comment: This sequence change replaces proline with leucine at codon 157 of the ARSA protein (p.Pro157Leu). The proline residue is highly conserved and there is a moderate physicochemical difference between proline and leucine. This variant is not present in population databases (ExAC no frequency). This missense change has been observed in individual(s) with metachromatic leukodystrophy (PMID: 14517960). This variant is also known as P155L. ClinVar contains an entry for this variant (Variation ID: 68137). Algorithms developed to predict the effect of missense changes on protein structure and function are either unavailable or do not agree on the potential impact of this missense change (SIFT: "Deleterious"; PolyPhen-2: "Probably Damaging"; Align-GVGD: "Class C0"). In summary, the available evidence is currently insufficient to determine the role of this variant in disease. Therefore, it has been classified as a Variant of Uncertain Significance.

UniProtKB/Swiss-Prot
No classification provided. Review status: no classification provided. Collection method: not provided. Allele origin: not provided. Not counted in ClinVar's aggregate classification.

Literature cited by the submitters: PubMed 7866401 (cited by 3billion); PubMed 14517960 (cited by 3 submitters).